The following is an entry in ClinVar:

ClinVar aggregate classification (germline): Likely benign. Review status: criteria provided, multiple submitters, no conflicts (2 of 4 stars). 3 submissions from 3 submitters: Likely benign (3). Last evaluated 2024-07-16.

Conditions:
Familial adenomatous polyposis 1 (FAP1). Also called: POLYPOSIS, ADENOMATOUS INTESTINAL; FAMILIAL ADENOMATOUS POLYPOSIS 1, ATTENUATED. Identifiers: MedGen C2713442, MONDO:0021056, OMIM 175100. Disease mechanism: loss of function.
Hereditary cancer-predisposing syndrome. Also called: Hereditary Cancer Syndrome; Neoplastic Syndromes, Hereditary; Tumor predisposition; Hereditary neoplastic syndrome. Identifiers: Orphanet 140162, MedGen C0027672, MeSH D009386, MONDO:0015356.

gnomAD v4.1: 1 of 1,610,430 alleles (0.000062%); highest among the groups gnomAD compares: South Asian, 0.0011%; no homozygotes.

Submissions (3):

Labcorp Genetics (formerly Invitae), Labcorp
Classification: Likely benign for Familial adenomatous polyposis 1. Last evaluated: 2024-07-16. Review status: criteria provided, single submitter. Criteria: Invitae Variant Classification Sherloc (09022015). Collection method: clinical testing. Allele origin: germline.

Myriad Genetics, Inc.
Classification: Likely benign for Familial adenomatous polyposis 1. Last evaluated: 2024-03-06. Review status: criteria provided, single submitter. Criteria: Myriad Autosomal Dominant, Autosomal Recessive and X-Linked Classification Criteria (2023). Collection method: clinical testing. Allele origin: unknown.
Comment: This variant is considered likely benign. This variant is intronic and is not expected to impact mRNA splicing.

Color Diagnostics, LLC DBA Color Health
Classification: Likely benign for Hereditary cancer-predisposing syndrome. Last evaluated: 2017-08-14. Review status: criteria provided, single submitter. Criteria: ACMG Guidelines, 2015. Collection method: clinical testing. Allele origin: germline.

NM_000038.6(APC):c.1626+8T>C

Gene: APC (APC regulator of Wnt signaling pathway; plus strand). Cytogenetic location: 5q22.2.
Variant type: single nucleotide variant.
Coding change: c.1626+8T>C on transcript NM_000038.6 (MANE Select); 8 bases into the intron after coding-DNA position 1626, T replaced by C.
Molecular consequence: intron variant.
Genome position (GRCh38, 1-based): chr5:112,828,014, T>C. VCF-style: chr5-112828014-T-C. GRCh37 (hg19) VCF-style: chr5-112163711-T-C.
Other names: c.1626+8T>C (NM_001354895.2, NM_001127510.3); c.1656+8T>C (NM_001354897.2); c.1353+8T>C (NM_001354902.2); c.1572+8T>C (NM_001127511.3); c.1551+8T>C (NM_001354898.2); c.1248+8T>C (NM_001354904.2); c.777+8T>C (NM_001354906.2); c.1680+8T>C (NM_001354896.2); and 5 more.
Identifiers: ClinVar variation 490219 (VCV000490219.14), dbSNP rs773400235, ClinGen allele CA658683413.
Genomic context (GRCh38, chr5:112,828,014, plus strand): 5'-GCATGAGAGCACTTGTGGCCCAACTAAAATCTGAAAGTGAAGACTTACAGCAGGTACTAT[T>C]TAGAATTTCACCTGTTTTTCTTTTTTCTCTTTTTCTTTGAGGCAGGGTCTCACTCTGTCA-3'